The following is an entry in ClinVar:

ClinVar aggregate classification (germline): Pathogenic (1 of 4 stars; one submission).

Conditions:
Familial cancer of breast. Also called: BREAST CANCER, FAMILIAL; Hereditary breast cancer; hereditary breast carcinoma. Identifiers: Orphanet 227535, MedGen C0346153, MONDO:0016419, OMIM 114480. Disease mechanism: loss of function.

Submission:

Myriad Genetics, Inc.
Classification: Pathogenic for Familial cancer of breast. Last evaluated: 2026-04-08. Review status: criteria provided, single submitter. Criteria: Myriad Autosomal Dominant, Autosomal Recessive and X-Linked Classification Criteria (2023). Collection method: clinical testing. Allele origin: unknown.
Comment: This variant is considered pathogenic. This variant creates a frameshift predicted to result in premature protein truncation.

NM_024675.4(PALB2):c.1080del (p.Asp360fs)

Gene: PALB2 (partner and localizer of BRCA2; minus strand). Cytogenetic location: 16p12.2.
Variant type: Deletion.
Coding change: c.1080del on transcript NM_024675.4 (MANE Select); coding-DNA position 1080, one base deleted (C; older notation c.1080delC).
Protein change: p.Asp360fs; shifts the reading frame from aspartic acid 360.
Molecular consequence: frameshift variant. On other transcripts: intron variant (3).
Genome position (GRCh38, 1-based): chr16:23,635,466, G deleted on the plus strand (C on the coding strand, the reverse complement: PALB2 is on the minus strand). VCF-style (leftmost placement, unchanged base first): chr16-23635465-TG-T. GRCh37 (hg19) VCF-style: chr16-23646786-TG-T.
Other names: c.1020del, p.Asp340fs (NM_001407296.1); c.1080del, p.Asp360fs (NM_001407297.1, NM_001407298.1, NM_001407299.1 and 3 more transcripts); c.195del, p.Asp65fs (NM_001407304.1, NM_001407305.1, NM_001407306.1 and 5 more transcripts); c.48+5644del (NM_001407314.1); c.-104-4997del (NM_001407313.1, NM_001407312.1); short protein forms D340fs, D360fs, D65fs.
Identifiers: ClinVar variation 4875998 (VCV004875998.1).
Genomic context (GRCh38, chr16:23,635,465, plus strand): 5'-GACTCTTAGGTTGACTTAGAATCTCACTTTCCTGAAGATTTTCATTCCTGCCATCAAGAG[TG>T]TCACTGGGAGATTTTAAAGATTTCTCTGTTTGATTTTGTTCTTTTAAGTTTTGGTTTTCA-3'